The following is an entry in ClinVar:

ClinVar aggregate classification (germline): Uncertain significance (1 of 4 stars; one submission).

gnomAD v4.1: 2 of 1,613,944 alleles (0.00012%); highest among the groups gnomAD compares: South Asian, 0.0022%; no homozygotes.

Submission:

Labcorp Genetics (formerly Invitae), Labcorp
Classification: Uncertain significance. Last evaluated: 2024-12-18. Review status: criteria provided, single submitter. Criteria: Invitae Variant Classification Sherloc (09022015). Collection method: clinical testing. Allele origin: germline.
Comment: This sequence change replaces valine, which is neutral and non-polar, with leucine, which is neutral and non-polar, at codon 327 of the ACO2 protein (p.Val327Leu). This variant is present in population databases (rs757166077, gnomAD 0.006%). This variant has not been reported in the literature in individuals affected with ACO2-related conditions. Invitae Evidence Modeling of protein sequence and biophysical properties (such as structural, functional, and spatial information, amino acid conservation, physicochemical variation, residue mobility, and thermodynamic stability) indicates that this missense variant is not expected to disrupt ACO2 protein function with a negative predictive value of 80%. In summary, the available evidence is currently insufficient to determine the role of this variant in disease. Therefore, it has been classified as a Variant of Uncertain Significance.

NM_001098.3(ACO2):c.979G>C (p.Val327Leu)

Gene: ACO2 (aconitase 2; plus strand). Cytogenetic location: 22q13.2.
Variant type: single nucleotide variant.
Coding change: c.979G>C on transcript NM_001098.3 (MANE Select); coding-DNA position 979, G replaced by C.
Protein change: p.Val327Leu; replaces valine 327 with leucine.
Molecular consequence: missense variant.
Genome position (GRCh38, 1-based): chr22:41,518,519, G>C. VCF-style: chr22-41518519-G-C. GRCh37 (hg19) VCF-style: chr22-41914523-G-C.
Other names: short protein forms V327L.
Identifiers: ClinVar variation 3678137 (VCV003678137.2).